The following is an entry in ClinVar:

NM_001754.5(RUNX1):c.1053C>T (p.Gly351=)

Gene: RUNX1 (RUNX family transcription factor 1; minus strand). Cytogenetic location: 21q22.12.
Variant type: single nucleotide variant.
Coding change: c.1053C>T on transcript NM_001754.5 (MANE Select); coding-DNA position 1053, C replaced by T.
Protein change: p.Gly351=; no amino-acid change (glycine 351 retained).
Molecular consequence: synonymous variant.
Genome position (GRCh38, 1-based): chr21:34,792,525, G>A on the plus strand (C>T on the coding strand, the complement: RUNX1 is on the minus strand). VCF-style: chr21-34792525-G-A. GRCh37 (hg19) VCF-style: chr21-36164822-G-A.
Other names: NM_001754.5(RUNX1):c.1053C>T; p.Gly351=; c.972C>T, p.Gly324= (NM_001001890.3).
Identifiers: ClinVar variation 947844 (VCV000947844.11), dbSNP rs1601333548, ClinGen allele CA512341344.

ClinVar aggregate classification (germline): Likely benign. Review status: reviewed by expert panel (3 of 4 stars). 3 submissions from 3 submitters: Likely benign (1). 2 of the submissions do not count toward it. Last evaluated 2024-09-18.

Conditions:
Hereditary thrombocytopenia and hematologic cancer predisposition syndrome. Identifiers: Orphanet 71290, MedGen CN281654, MONDO:0011071.
Hereditary thrombocytopenia and hematological cancer predisposition syndrome associated with RUNX1. Also called: PLATELET DISORDER, ASPIRIN-LIKE; Familial Platelet Disorder with Propensity to Acute Myelogenous Leukemia; Familial thrombocytopenia with propensity to acute myelogenous leukemia; RUNX1 Familial Platelet Disorder with Associated Myeloid Malignancies. Identifiers: Orphanet 71290, MedGen C1832388, MeSH C563324, MONDO:0100083, OMIM 601399.
Inborn genetic diseases. Identifiers: MedGen C0950123, MeSH D030342.

Submissions (3):

ClinGen Myeloid Malignancy Variant Curation Expert Panel
Classification: Likely benign for Hereditary thrombocytopenia and hematologic cancer predisposition syndrome. Last evaluated: 2024-09-18. Review status: reviewed by expert panel. Criteria: ClinGen MyeloMalig ACMG Specifications v2. Collection method: curation. Allele origin: germline. Inheritance: Autosomal dominant inheritance.
Comment: NM_001754.5(RUNX1):c.1053C>T (p.Gly351=) is a synonymous variant which has a SpliceAI score ≤ 0.20 (0.0) (BP4). This variant has a SpliceAI score ≤ 0.20 and evolutionary conservation prediction algorithms predict the site as not being conserved (PhyloP score ≤ 2.0 (-.004)) (BP7). This variant is completely absent from all population databases with at least 20x coverage for RUNX1 (PM2_Supporting), it also has not been reported in cases or the literature. In summary, this variant meets criteria to be classified as a likely benign. ACMG/AMP criteria applied, as specified by the Myeloid Malignancy Variant Curation Expert Panel for RUNX1: BP4, BP7, PM2_supporting.

Ambry Genetics
Classification: Likely benign for Inborn genetic diseases. Last evaluated: 2025-07-14. Review status: criteria provided, single submitter. Criteria: Ambry Variant Classification Scheme 2023. Collection method: clinical testing. Allele origin: germline. Not counted in ClinVar's aggregate classification.

Labcorp Genetics (formerly Invitae), Labcorp
Classification: Likely benign for Hereditary thrombocytopenia and hematological cancer predisposition syndrome associated with RUNX1. Last evaluated: 2023-08-04. Review status: criteria provided, single submitter. Criteria: Invitae Variant Classification Sherloc (09022015). Collection method: clinical testing. Allele origin: germline. Not counted in ClinVar's aggregate classification.